The following is an entry in ClinVar:

ClinVar aggregate classification (germline): Benign (1 of 4 stars; one submission).

Allele frequency attached by ClinVar (database versions not stated): 1000 Genomes Project 0.15535; 1000 Genomes Project 30x 0.15803; gnomAD 0.17792 and 0.18248; TOPMed 0.18666.
gnomAD v4.1: 27,086 of 151,910 alleles (18%); highest among the groups gnomAD compares: African/African-American, 25%; 2,737 homozygotes.

Submission:

GeneDx
Classification: Benign. Last evaluated: 2018-06-14. Review status: criteria provided, single submitter. Criteria: GeneDx Variant Classification (06012015). Collection method: clinical testing. Allele origin: germline. Affected: yes.
Comment: This variant is considered likely benign or benign based on one or more of the following criteria: it is a conservative change, it occurs at a poorly conserved position in the protein, it is predicted to be benign by multiple in silico algorithms, and/or has population frequency not consistent with disease.

NM_213649.2(SFXN4):c.733-243G>A

Gene: SFXN4 (sideroflexin 4; minus strand). Cytogenetic location: 10q26.11.
Variant type: single nucleotide variant.
Coding change: c.733-243G>A on transcript NM_213649.2 (MANE Select); 243 bases into the intron before coding-DNA position 733, G replaced by A.
Molecular consequence: intron variant.
Genome position (GRCh38, 1-based): chr10:119,148,103, C>T on the plus strand (G>A on the coding strand, the complement: SFXN4 is on the minus strand). VCF-style: chr10-119148103-C-T. GRCh37 (hg19) VCF-style: chr10-120907615-C-T.
Identifiers: ClinVar variation 667488 (VCV000667488.1), dbSNP rs61276248, ClinGen allele CA214166809.